The following is an entry in ClinVar:

NM_013254.4(TBK1):c.1632G>A (p.Pro544=)

Gene: TBK1 (TANK binding kinase 1; plus strand). Cytogenetic location: 12q14.2.
Variant type: single nucleotide variant.
Coding change: c.1632G>A on transcript NM_013254.4 (MANE Select); coding-DNA position 1632, G replaced by A.
Protein change: p.Pro544=; no amino-acid change (proline 544 retained).
Molecular consequence: synonymous variant.
Genome position (GRCh38, 1-based): chr12:64,495,593, G>A. VCF-style: chr12-64495593-G-A. GRCh37 (hg19) VCF-style: chr12-64889373-G-A.
Identifiers: ClinVar variation 5039058 (VCV005039058.1).

ClinVar aggregate classification (germline): Likely benign (1 of 4 stars; one submission).

gnomAD v4.1: 16 of 1,613,926 alleles (0.00099%); highest among the groups gnomAD compares: Admixed American, 0.005%; 1 homozygote.

Submission:

CeGaT Center for Human Genetics Tuebingen
Classification: Likely benign. Last evaluated: 2026-08-01. Review status: criteria provided, single submitter. Criteria: CeGaT Center For Human Genetics Tuebingen Variant Classification Criteria Version 2. Collection method: clinical testing. Allele origin: germline. Affected: yes. Observed: 1 variant allele.
Comment: TBK1: BP4, BP7